The following is an entry in ClinVar:

ClinVar aggregate classification (germline): Likely pathogenic. Review status: criteria provided, multiple submitters, no conflicts (2 of 4 stars). 4 submissions from 4 submitters: Likely pathogenic (4). Last evaluated 2022-12-01.

Conditions:
X-linked Alport syndrome (ATS1). Also called: NEPHROPATHY AND DEAFNESS, X-LINKED; COL4A5-Related Nephropathy. Identifiers: Orphanet 63, Orphanet 88917, MedGen C4746986, MONDO:0010520, OMIM 301050.
COL4A5-related disorders.

Submissions (4):

Institute of Human Genetics Munich, TUM University Hospital
Classification: Likely pathogenic for X-linked Alport syndrome. Last evaluated: 2022-12-01. Review status: criteria provided, single submitter. Criteria: Classification criteria August 2017. Collection method: clinical testing. Allele origin: germline. Inheritance: X-linked inheritance. Affected: yes. Observed: 1 variant allele.

Eurofins-Biomnis
Classification: Likely pathogenic for X-linked Alport syndrome. Last evaluated: 2022-11-04. Review status: criteria provided, single submitter. Criteria: Accession Criteria ClinVar Biomnis. Collection method: clinical testing. Allele origin: germline. Affected: yes. Observed: 1 heterozygote.

Victorian Clinical Genetics Services, Murdoch Childrens Research Institute
Classification: Likely pathogenic for X-linked Alport syndrome. Last evaluated: 2020-10-19. Review status: criteria provided, single submitter. Criteria: ACMG Guidelines, 2015. Collection method: clinical testing. Allele origin: germline. Inheritance: X-linked dominant inheritance. Affected: yes.
Comment: Based on the classification scheme VCGS_Germline_v1.3.2, this variant is classified as likely pathogenic. Following criteria are met: 0103 - Dominant negative and loss of function are known mechanisms of disease in this gene and are associated with Alport syndrome (MIM#301050) (PMID: 12028435; 24046192) . (I) 0110 - This gene is associated with X-linked dominant disease. (I) 0200 - Variant is predicted to result in a missense amino acid change from glycine to arginine. (I) 0253 - This variant is hemizygous. (I) 0301 - Variant is absent from gnomAD (both v2 and v3). (SP) 0309 - An alternative amino acid change at the same position has been observed in gnomAD (v2) (1 heterozygote, 0 hemizygotes). (I) 0501 - Missense variant consistently predicted to be damaging by multiple in silico tools or highly conserved with a major amino acid change. (SP) 0601 - Variant is located in the well-established collagen triple helical region. This variant affects a glycine residue within the Gly-X-Y triplet repeat (PDB) (SP) 0705 - No comparable missense variants have previous evidence for pathogenicity. (I) 0807 - This variant has no previous evidence of pathogenicity. (I) 0905 - No published segregation evidence has been identified for this variant. (I) 1007 - No published functional evidence has been identified for this variant. (I) 1208 - Inheritance information for this variant is not currently available in this individual. (I) Legend: (SP) - Supporting pathogenic, (I) - Information, (SB) - Supporting benign

Blueprint Genetics
Classification: Likely pathogenic for COL4A5-related disorders. Last evaluated: 2018-04-30. Review status: criteria provided, single submitter. Criteria: ACMG Guidelines, 2015. Collection method: clinical testing. Allele origin: germline. Affected: yes. Observed: 1 variant allele.

Literature cited by the submitters: PubMed 12028435 (cited by Victorian Clinical Genetics Services, Murdoch Childrens Research Institute); PubMed 24046192 (cited by Victorian Clinical Genetics Services, Murdoch Childrens Research Institute).

NM_033380.3(COL4A5):c.2104G>C (p.Gly702Arg)

Gene: COL4A5 (collagen type IV alpha 5 chain; plus strand). Cytogenetic location: Xq22.3.
Variant type: single nucleotide variant.
Coding change: c.2104G>C on transcript NM_033380.3 (MANE Select); coding-DNA position 2104, G replaced by C.
Protein change: p.Gly702Arg; replaces glycine 702 with arginine.
Molecular consequence: missense variant.
Genome position (GRCh38, 1-based): chrX:108,601,947, G>C. VCF-style: chrX-108601947-G-C. GRCh37 (hg19) VCF-style: chrX-107845177-G-C.
Other names: c.2104G>C, p.Gly702Arg (NM_000495.5); short protein forms G702R.
Identifiers: ClinVar variation 1805490 (VCV001805490.4), dbSNP rs775988576, ClinGen allele CA413847021.